The following is an entry in ClinVar:

NM_000059.4(BRCA2):c.8517C>A (p.Tyr2839Ter)

Gene: BRCA2 (BRCA2 DNA repair associated; plus strand). Cytogenetic location: 13q13.1.
Variant type: single nucleotide variant.
Coding change: c.8517C>A on transcript NM_000059.4 (MANE Select); coding-DNA position 8517, C replaced by A.
Protein change: p.Tyr2839Ter; replaces tyrosine 2839 with a stop codon.
Molecular consequence: nonsense.
Genome position (GRCh38, 1-based): chr13:32,370,985, C>A. VCF-style: chr13-32370985-C-A. GRCh37 (hg19) VCF-style: chr13-32945122-C-A.
Other names: 8745C>A; short protein forms Y2839*.
Identifiers: ClinVar variation 267094 (VCV000267094.13), dbSNP rs863224315, ClinGen allele CA10589504.
Genomic context (GRCh38, chr13:32,370,985, plus strand): 5'-CTTTTTTGGTGTGTGTAACACATTATTACAGTGGATGGAGAAGACATCATCTGGATTATA[C>A]ATATTTCGCAATGAAAGAGAGGAAGAAAAGGAAGCAGCAAAATATGTGGAGGCCCAACAA-3'

ClinVar aggregate classification (germline): Pathogenic. Review status: reviewed by expert panel (3 of 4 stars). 5 submissions from 5 submitters: Pathogenic (1). 4 of the submissions do not count toward it. Last evaluated 2016-10-18.

Conditions:
BRCA2-related cancer predisposition. Identifiers: MedGen CN377758, MONDO:0700269.
Breast-ovarian cancer, familial, susceptibility to, 2 (BROVCA2). Also called: BRCA2 Hereditary Breast and Ovarian Cancer. Identifiers: Orphanet 145, MedGen C2675520, MONDO:0012933, OMIM 612555. Disease mechanism: loss of function.
Hereditary cancer-predisposing syndrome. Also called: Hereditary neoplastic syndrome; Neoplastic Syndromes, Hereditary; Tumor predisposition; Hereditary Cancer Syndrome. Identifiers: Orphanet 140162, MedGen C0027672, MeSH D009386, MONDO:0015356.

Submissions (5):

Evidence-based Network for the Interpretation of Germline Mutant Alleles (ENIGMA)
Classification: Pathogenic for Breast-ovarian cancer, familial, susceptibility to, 2. Last evaluated: 2016-10-18. Review status: reviewed by expert panel. Criteria: ENIGMA BRCA1/2 Classification Criteria (2015). Collection method: curation. Allele origin: germline.
Comment: Variant allele predicted to encode a truncated non-functional protein.

Ambry Genetics
Classification: Pathogenic for Hereditary cancer-predisposing syndrome. Last evaluated: 2022-03-26. Review status: criteria provided, single submitter. Criteria: Ambry Variant Classification Scheme 2023. Collection method: clinical testing. Allele origin: germline. Not counted in ClinVar's aggregate classification.
Comment: The p.Y2839* pathogenic mutation (also known as c.8517C>A), located in coding exon 19 of the BRCA2 gene, results from a C to A substitution at nucleotide position 8517. This changes the amino acid from a tyrosine to a stop codon within coding exon 19. This alteration has been identified in multiple individuals diagnosed with breast cancer (Yang X et al. PLoS One, 2015 Apr;10:e0125571; Sun J et al. Clin Cancer Res, 2017 Oct;23:6113-6119; Li JY et al. Int J Cancer, 2019 01;144:281-289). This alteration was also identified in a large, worldwide study of BRCA1/2 mutation positive families (Rebbeck TR et al. Hum Mutat, 2018 05;39:593-620). This variant is considered to be rare based on population cohorts in the Genome Aggregation Database (gnomAD). In addition to the clinical data presented in the literature, this alteration is expected to result in loss of function by premature protein truncation or nonsense-mediated mRNA decay. As such, this alteration is interpreted as a disease-causing mutation.

Department of Pathology and Laboratory Medicine, Sinai Health System
Classification: Pathogenic for BRCA2-related cancer predisposition. Last evaluated: 2021-09-01. Review status: criteria provided, single submitter. Criteria: ACMG Guidelines, 2015. Collection method: clinical testing. Allele origin: germline. Affected: no. Not counted in ClinVar's aggregate classification.

Color Diagnostics, LLC DBA Color Health
Classification: Pathogenic for Hereditary cancer-predisposing syndrome. Last evaluated: 2020-01-15. Review status: criteria provided, single submitter. Criteria: ACMG Guidelines, 2015. Collection method: clinical testing. Allele origin: germline. Not counted in ClinVar's aggregate classification.
Comment: This variant changes 1 nucleotide in exon 20 of the BRCA2 gene, creating a premature translation stop signal. This variant is expected to result in an absent or non-functional protein product. This variant has not been identified in the general population by the Genome Aggregation Database (gnomAD). Loss of BRCA2 function is a known mechanism of disease. Based on the available evidence, this variant is classified as Pathogenic.

Consortium of Investigators of Modifiers of BRCA1/2 (CIMBA), c/o University of Cambridge
Classification: Pathogenic for Breast-ovarian cancer, familial, susceptibility to, 2. Last evaluated: 2015-10-02. Review status: criteria provided, single submitter. Criteria: CIMBA Mutation Classification guidelines May 2016. Collection method: clinical testing. Allele origin: germline. Not counted in ClinVar's aggregate classification.

Literature cited by the submitters: PubMed 25927356 (cited by Ambry Genetics); PubMed 28724667 (cited by Ambry Genetics); PubMed 29446198 (cited by Ambry Genetics); PubMed 29752822 (cited by Ambry Genetics).